The following is an entry in ClinVar:

ClinVar aggregate classification (germline): Likely pathogenic. Review status: criteria provided, single submitter (1 of 4 stars). 3 submissions from 3 submitters: Likely pathogenic (1). 2 of the submissions do not count toward it. Last evaluated 2021-11-24.

Conditions:
Vertebral, cardiac, renal, and limb defects syndrome 1. Also called: 3-HYDROXYANTHRANILIC ACIDEMIA; CONGENITAL NAD DEFICIENCY DISORDER 1. Identifiers: MedGen C4540004, MONDO:0060554, OMIM 617660.
Congenital NAD deficiency disorder. Identifiers: MedGen CN241975.

Allele frequency attached by ClinVar (database versions not stated): gnomAD exomes 0.00001; TOPMed below 0.00001; gnomAD 0.00001.
gnomAD v4.1: 18 of 1,612,392 alleles (0.0011%); highest among the groups gnomAD compares: East Asian, 0.0045%; no homozygotes.

Submissions (3):

GeneDx
Classification: Likely pathogenic. Last evaluated: 2021-11-24. Review status: criteria provided, single submitter. Criteria: GeneDx Variant Classification Process June 2021. Collection method: clinical testing. Allele origin: germline. Affected: yes.
Comment: Published functional studies demonstrate a damaging effect to enzyme function (Szot JO et al., 2021); In silico analysis supports that this missense variant has a deleterious effect on protein structure/function; This variant is associated with the following publications: (PMID: 33942433)

OMIM
Classification: Pathogenic for VERTEBRAL, CARDIAC, RENAL, AND LIMB DEFECTS SYNDROME 1. Last evaluated: 2022-07-15. Review status: no assertion criteria provided. Collection method: literature only. Allele origin: germline. Not counted in ClinVar's aggregate classification.

Embryology Laboratory, Victor Chang Cardiac Research Institute
Classification: Pathogenic for Congenital NAD Deficiency Disorder. Last evaluated: 2020-11-11. Review status: no assertion criteria provided. Collection method: research. Allele origin: inherited. Inheritance: Autosomal recessive inheritance. Affected: yes. Observed: 1 variant allele, 1 compound heterozygote. Not counted in ClinVar's aggregate classification.
Comment: This variant, c.323G>A, was found in compound heterozygosity with the pathogenic variant c.301G>T

Literature cited by the submitters: PubMed 33942433 (cited by OMIM and Embryology Laboratory, Victor Chang Cardiac Research Institute).

NM_012205.3(HAAO):c.323G>A (p.Arg108Gln)

Gene: HAAO (3-hydroxyanthranilate 3,4-dioxygenase; minus strand). Cytogenetic location: 2p21.
Variant type: single nucleotide variant.
Coding change: c.323G>A on transcript NM_012205.3 (MANE Select); coding-DNA position 323, G replaced by A.
Protein change: p.Arg108Gln; replaces arginine 108 with glutamine.
Molecular consequence: missense variant.
Genome position (GRCh38, 1-based): chr2:42,783,341, C>T on the plus strand (G>A on the coding strand, the complement: HAAO is on the minus strand). VCF-style: chr2-42783341-C-T. GRCh37 (hg19) VCF-style: chr2-43010481-C-T.
Other names: c.323G>A (NM_012205.2); short protein forms R108Q.
Identifiers: ClinVar variation 988088 (VCV000988088.6), dbSNP rs1363954556, ClinGen allele CA346637169.